The following is an entry in ClinVar:

NM_000218.3(KCNQ1):c.1393+30955G>T

Genes: KCNQ1 (potassium voltage-gated channel subfamily Q member 1; plus strand), KCNQ1OT1 (KCNQ1 opposite strand/antisense transcript 1; minus strand). Cytogenetic location: 11p15.5.
Variant type: single nucleotide variant.
Coding change: c.1393+30955G>T on transcript NM_000218.3 (MANE Select); 30955 bases into the intron after coding-DNA position 1393, G replaced by T.
Molecular consequence: intron variant. On other transcripts: non-coding transcript variant (1).
Genome position (GRCh38, 1-based): chr11:2,619,809, G>T. VCF-style: chr11-2619809-G-T. GRCh37 (hg19) VCF-style: chr11-2641039-G-T.
Other names: c.1123+30955G>T (NM_001406837.1); c.1297+30955G>T (NM_001406836.1); c.853+30955G>T (NM_001406838.1); c.1012+30955G>T (NM_181798.2).
Identifiers: ClinVar variation 3389311 (VCV003389311.14).

ClinVar aggregate classification (germline): Benign (1 of 4 stars; one submission).

gnomAD v4.1: 334 of 398,148 alleles (0.084%); highest among the groups gnomAD compares: African/African-American, 0.57%; 2 homozygotes.

Submission:

CeGaT Center for Human Genetics Tuebingen
Classification: Benign. Last evaluated: 2024-12-01. Review status: criteria provided, single submitter. Criteria: CeGaT Center For Human Genetics Tuebingen Variant Classification Criteria Version 2. Collection method: clinical testing. Allele origin: germline. Affected: yes. Observed: 1 variant allele.
Comment: KCNQ1OT1: BS1, BS2